The following is an entry in ClinVar:

NM_024537.4(CARS2):c.1648T>G (p.Trp550Gly)

Gene: CARS2 (cysteinyl-tRNA synthetase 2, mitochondrial; minus strand). Cytogenetic location: 13q34.
Variant type: single nucleotide variant.
Coding change: c.1648T>G on transcript NM_024537.4 (MANE Select); coding-DNA position 1648, T replaced by G.
Protein change: p.Trp550Gly; replaces tryptophan 550 with glycine.
Molecular consequence: missense variant. On other transcripts: non-coding transcript variant (2).
Genome position (GRCh38, 1-based): chr13:110,641,584, A>C on the plus strand (T>G on the coding strand, the complement: CARS2 is on the minus strand). VCF-style: chr13-110641584-A-C. GRCh37 (hg19) VCF-style: chr13-111293931-A-C.
Other names: c.862T>G, p.Trp288Gly (NM_001352252.2); short protein forms W288G, W550G.
Identifiers: ClinVar variation 1513776 (VCV001513776.6), dbSNP rs2139663433, ClinGen allele CA388739127.
Genomic context (GRCh38, chr13:110,641,584, plus strand): 5'-CTGTGCTCCATCCTCAGCCCGCTGATTTTTGGTCTTTTGTCCTTTGATCCAGCAGTTCCC[A>C]CGTGGATGTTGTACTGCTTCTGTCCTGGAGAAGAAGAGTGAGGTCCAACTCTGAGCAGAC-3'
Protein context (NP_078813.1, residues 540-560): IKDRSSTTST[Trp550Gly]ELLDQRTKDQ

ClinVar aggregate classification (germline): Uncertain significance (1 of 4 stars; one submission).

Conditions:
Combined oxidative phosphorylation defect type 27. Also called: Combined oxidative phosphorylation deficiency 27. Identifiers: Orphanet 477774, MedGen C5567608, MONDO:0014728, OMIM 616672.

Submission:

Labcorp Genetics (formerly Invitae), Labcorp
Classification: Uncertain significance for Combined oxidative phosphorylation defect type 27. Last evaluated: 2021-01-01. Review status: criteria provided, single submitter. Criteria: Invitae Variant Classification Sherloc (09022015). Collection method: clinical testing. Allele origin: germline.
Comment: In summary, the available evidence is currently insufficient to determine the role of this variant in disease. Therefore, it has been classified as a Variant of Uncertain Significance. Algorithms developed to predict the effect of missense changes on protein structure and function (SIFT, PolyPhen-2, Align-GVGD) all suggest that this variant is likely to be disruptive, but these predictions have not been confirmed by published functional studies and their clinical significance is uncertain. This variant has not been reported in the literature in individuals with CARS2-related conditions. This variant is not present in population databases (ExAC no frequency). This sequence change replaces tryptophan with glycine at codon 550 of the CARS2 protein (p.Trp550Gly). The tryptophan residue is highly conserved and there is a large physicochemical difference between tryptophan and glycine.